The following is an entry in ClinVar:

ClinVar aggregate classification (germline): Pathogenic (1 of 4 stars; one submission).

Allele frequency attached by ClinVar (database versions not stated): gnomAD exomes below 0.00001 and 0.00001; TOPMed below 0.00001.

Submission:

Labcorp Genetics (formerly Invitae), Labcorp
Classification: Pathogenic. Last evaluated: 2021-11-13. Review status: criteria provided, single submitter. Criteria: Invitae Variant Classification Sherloc (09022015). Collection method: clinical testing. Allele origin: germline.
Comment: This sequence change creates a premature translational stop signal (p.Cys122Leufs*25) in the RCBTB1 gene. It is expected to result in an absent or disrupted protein product. Loss-of-function variants in RCBTB1 are known to be pathogenic (PMID: 31494449). This variant is present in population databases (no rsID available, gnomAD 0.009%). This variant has not been reported in the literature in individuals affected with RCBTB1-related conditions. For these reasons, this variant has been classified as Pathogenic.

Literature cited by the submitters: PubMed 31494449.

NM_018191.4(RCBTB1):c.364dup (p.Cys122fs)

Gene: RCBTB1 (RCC1 and BTB domain containing protein 1; minus strand). Cytogenetic location: 13q14.2.
Variant type: Duplication.
Coding change: c.364dup on transcript NM_018191.4 (MANE Select); coding-DNA position 364, one base duplicated (T; older notation c.364dupT).
Protein change: p.Cys122fs; shifts the reading frame from cysteine 122.
Molecular consequence: frameshift variant. On other transcripts: 5 prime UTR variant (1), non-coding transcript variant (2).
Genome position (GRCh38, 1-based): chr13:49,559,998, A duplicated on the plus strand (T on the coding strand, the reverse complement: RCBTB1 is on the minus strand). VCF-style (leftmost placement, unchanged base first): chr13-49559997-C-CA. GRCh37 (hg19) VCF-style: chr13-50134133-C-CA.
Other names: c.364dup, p.Cys122fs (NM_001352500.2, NM_001352501.2, NM_001352502.2 and 3 more transcripts); c.-246dup (NM_001352506.2); short protein forms C122fs.
Identifiers: ClinVar variation 1361522 (VCV001361522.6), dbSNP rs1437353033, ClinGen allele CA609930083.
Genomic context (GRCh38, chr13:49,559,997, plus strand): 5'-GCCATTGAATGATGTGAGCCACAAGCTACTTCCACCACTTGCTTGATCAAGAGATTGGTA[C>CA]AGACCTGGACGGGAGCAATGCCTTGGTTGGTCGTCCCATTCCCAAGCTGGCTATATCCAT-3'